The following is an entry in ClinVar:

NM_002861.5(PCYT2):c.1058+47_1059-26del

Gene: PCYT2 (phosphate cytidylyltransferase 2, ethanolamine; minus strand). Cytogenetic location: 17q25.3.
Variant type: Deletion.
Coding change: c.1058+47_1059-26del on transcript NM_002861.5 (MANE Select); 47 bases into the intron after coding-DNA position 1058 through 26 bases into the intron before coding-DNA position 1059, 50 bases deleted.
Molecular consequence: intron variant.
Genome position (GRCh38, 1-based): chr17:81,904,970-81,905,019, 50 bases deleted; deleting any 50 consecutive bases within chr17:81,904,970-81,905,046 gives the same sequence; the c. name uses the placement nearest the transcript's 3' end. GRCh37 (hg19): chr17:79,862,873-79,862,922.
Other names: c.896+47_897-26del (NM_001256433.3); c.935+47_936-26del (NM_001256434.3); c.992+47_993-26del (NM_001330518.2); c.1112+47_1113-26del (NM_001184917.3); c.824+47_825-26del (NM_001256435.3, NM_001282203.2); c.962+47_963-26del (NM_001282204.2).
Identifiers: ClinVar variation 4280990 (VCV004280990.7).

ClinVar aggregate classification (germline): Likely benign (1 of 4 stars; one submission).

Submission:

CeGaT Center for Human Genetics Tuebingen
Classification: Likely benign. Last evaluated: 2025-09-01. Review status: criteria provided, single submitter. Criteria: CeGaT Center For Human Genetics Tuebingen Variant Classification Criteria Version 2. Collection method: clinical testing. Allele origin: germline. Affected: yes. Observed: 1 variant allele.
Comment: PCYT2: BS2